The following is an entry in ClinVar:

ClinVar aggregate classification (germline): Pathogenic/Likely pathogenic. Review status: criteria provided, multiple submitters, no conflicts (2 of 4 stars). 4 submissions from 4 submitters: Pathogenic (1); Likely pathogenic (3). Last evaluated 2025-05-08.

Conditions:
MPI-congenital disorder of glycosylation. Also called: MANNOSEPHOSPHATE ISOMERASE DEFICIENCY; CDG Ib; MPI-CDG; MPI DEFICIENCY; PROTEIN-LOSING ENTEROPATHY-HEPATIC FIBROSIS SYNDROME; CONGENITAL DISORDER OF GLYCOSYLATION, TYPE Ib. Identifiers: Orphanet 79319, MedGen C1865145, MONDO:0011257, OMIM 602579.

Allele frequency attached by ClinVar (database versions not stated): gnomAD exomes below 0.00001 and 0.00001; gnomAD 0.00001; TOPMed 0.00001.
gnomAD v4.1: 9 of 1,614,060 alleles (0.00056%); highest among the groups gnomAD compares: African/African-American, 0.0013%; no homozygotes.

Submissions (4):

Natera, Inc.
Classification: Likely pathogenic for Congenital disorder of glycosylation type 1b. Last evaluated: 2025-05-08. Review status: criteria provided, single submitter. Criteria: Natera Variant Classification Schema (03/2026). Collection method: clinical testing. Allele origin: germline.
Comment: The c.718C>T variant in MPI is a nonsense variant predicted to introduce a stop codon at amino acid 240. This variant is expected to result in nonsense mediated decay, truncation, or a dysfunctional protein product. This variant is rare in the general population with a frequency below the threshold expected for the associated phenotype(s). Given the available evidence, this variant is classified as Likely Pathogenic.

Labcorp Genetics (formerly Invitae), Labcorp
Classification: Pathogenic for MPI-congenital disorder of glycosylation. Last evaluated: 2023-11-21. Review status: criteria provided, single submitter. Criteria: Invitae Variant Classification Sherloc (09022015). Collection method: clinical testing. Allele origin: germline.
Comment: This sequence change creates a premature translational stop signal (p.Gln240*) in the MPI gene. It is expected to result in an absent or disrupted protein product. Loss-of-function variants in MPI are known to be pathogenic (PMID: 19862844). This variant is present in population databases (rs776340315, gnomAD 0.002%). This variant has not been reported in the literature in individuals affected with MPI-related conditions. ClinVar contains an entry for this variant (Variation ID: 1456895). For these reasons, this variant has been classified as Pathogenic.

Baylor Genetics
Classification: Likely pathogenic for MPI-congenital disorder of glycosylation. Last evaluated: 2023-10-16. Review status: criteria provided, single submitter. Criteria: ACMG Guidelines, 2015. Collection method: clinical testing. Allele origin: unknown.

Laboratorio de Genetica e Diagnostico Molecular, Hospital Israelita Albert Einstein
Classification: Likely pathogenic for MPI-congenital disorder of glycosylation. Last evaluated: 2022-03-02. Review status: criteria provided, single submitter. Criteria: ACMG Guidelines, 2015. Collection method: clinical testing. Allele origin: germline. Affected: yes.
Comment: ACMG classification criteria: PVS1 very strong, PM2

Literature cited by the submitters: PubMed 19862844 (cited by Labcorp Genetics (formerly Invitae), Labcorp).

NM_002435.3(MPI):c.718C>T (p.Gln240Ter)

Gene: MPI (mannose phosphate isomerase; plus strand). Cytogenetic location: 15q24.1.
Variant type: single nucleotide variant.
Coding change: c.718C>T on transcript NM_002435.3 (MANE Select); coding-DNA position 718, C replaced by T.
Protein change: p.Gln240Ter; replaces glutamine 240 with a stop codon.
Molecular consequence: nonsense.
Genome position (GRCh38, 1-based): chr15:74,896,199, C>T. VCF-style: chr15-74896199-C-T. GRCh37 (hg19) VCF-style: chr15-75188540-C-T.
Other names: c.718C>T (NM_002435.2); c.718C>T, p.Gln240Ter (NM_001289155.2); c.568C>T, p.Gln190Ter (NM_001289156.2); c.535C>T, p.Gln179Ter (NM_001289157.2); c.658C>T, p.Gln220Ter (NM_001330372.2); short protein forms Q220*, Q179*, Q190*, Q240*.
Identifiers: ClinVar variation 1456895 (VCV001456895.10), dbSNP rs776340315, ClinGen allele CA272825442.